The following is an entry in ClinVar:

NM_000744.7(CHRNA4):c.25C>G (p.Pro9Ala)

Genes: CHRNA4 (cholinergic receptor nicotinic alpha 4 subunit; minus strand), LOC100130587 (uncharacterized LOC100130587; plus strand). Cytogenetic location: 20q13.33.
Variant type: single nucleotide variant.
Coding change: c.25C>G on transcript NM_000744.7 (MANE Select); coding-DNA position 25, C replaced by G.
Protein change: p.Pro9Ala; replaces proline 9 with alanine.
Molecular consequence: missense variant. On other transcripts: non-coding transcript variant (1), intron variant (1).
Genome position (GRCh38, 1-based): chr20:63,361,141, G>C on the plus strand (C>G on the coding strand, the complement: CHRNA4 is on the minus strand). VCF-style: chr20-63361141-G-C. GRCh37 (hg19) VCF-style: chr20-61992493-G-C.
Other names: c.-471+36C>G (NM_001256573.2); short protein forms P9A.
Identifiers: ClinVar variation 4723838 (VCV004723838.1).

ClinVar aggregate classification (germline): Uncertain significance (1 of 4 stars; one submission).

Conditions:
Familial sleep-related hypermotor epilepsy. Also called: Autosomal Dominant Sleep-Related Hypermotor (Hyperkinetic) Epilepsy. Identifiers: Orphanet 98784, MedGen C3696898, MONDO:0000030.

Submission:

Labcorp Genetics (formerly Invitae), Labcorp
Classification: Uncertain significance. Last evaluated: 2025-07-27. Review status: criteria provided, single submitter. Criteria: Invitae Variant Classification Sherloc (09022015). Collection method: clinical testing. Allele origin: germline.
Comment: This sequence change replaces proline, which is neutral and non-polar, with alanine, which is neutral and non-polar, at codon 9 of the CHRNA4 protein (p.Pro9Ala). This variant is not present in population databases (gnomAD no frequency). This variant has not been reported in the literature in individuals affected with CHRNA4-related conditions. Experimental studies and prediction algorithms are not available or were not evaluated, and the functional significance of this variant is currently unknown. In summary, the available evidence is currently insufficient to determine the role of this variant in disease. Therefore, it has been classified as a Variant of Uncertain Significance.